The following is an entry in ClinVar:

ClinVar aggregate classification (germline): Uncertain significance (1 of 4 stars; one submission).

Submission:

CeGaT Center for Human Genetics Tuebingen
Classification: Uncertain significance. Last evaluated: 2022-08-01. Review status: criteria provided, single submitter. Criteria: CeGaT Center For Human Genetics Tuebingen Variant Classification Criteria Version 2. Collection method: clinical testing. Allele origin: germline. Affected: yes. Observed: 1 variant allele.
Comment: ASXL3: PM2, BP4

NM_030632.3(ASXL3):c.2846C>T (p.Pro949Leu)

Gene: ASXL3 (ASXL transcriptional regulator 3; plus strand). Cytogenetic location: 18q12.1.
Variant type: single nucleotide variant.
Coding change: c.2846C>T on transcript NM_030632.3 (MANE Select); coding-DNA position 2846, C replaced by T.
Protein change: p.Pro949Leu; replaces proline 949 with leucine.
Molecular consequence: missense variant.
Genome position (GRCh38, 1-based): chr18:33,740,250, C>T. VCF-style: chr18-33740250-C-T. GRCh37 (hg19) VCF-style: chr18-31320214-C-T.
Other names: short protein forms P949L.
Identifiers: ClinVar variation 2648644 (VCV002648644.24), dbSNP rs534714036, ClinGen allele CA402181632.